The following is an entry in ClinVar:

ClinVar aggregate classification (germline): Likely pathogenic (1 of 4 stars; one submission).

Conditions:
Autosomal dominant limb-girdle muscular dystrophy type 1F (LGMDD2). Also called: Limb-girdle muscular dystrophy, type 1F; MUSCULAR DYSTROPHY, LIMB-GIRDLE, AUTOSOMAL DOMINANT 2. Identifiers: Orphanet 55595, MedGen C1842062, MONDO:0012034, OMIM 608423.

Allele frequency attached by ClinVar (database versions not stated): gnomAD exomes below 0.00001.

Submission:

Neuberg Centre For Genomic Medicine, NCGM
Classification: Likely pathogenic for Autosomal dominant limb-girdle muscular dystrophy type 1F. Review status: criteria provided, single submitter. Criteria: ACMG Guidelines, 2015. Collection method: clinical testing. Allele origin: germline. Inheritance: Autosomal dominant inheritance. Affected: yes.
Comment: The splice site c.2430+1G>A variant has not been reported previously as a pathogenic variant nor as a benign variant, to our knowledge. The variant is reported with the allele frequency of 0.0004066% in gnomAD and is novel (not in any individuals) in 1000 Genomes. The nucleotide change in TNPO3 is predicted as conserved by GERP++ and PhyloP across 100 vertebrates. Loss of function variants have been previously reported to be disease causing. For these reasons, this variant has been classified as Likely Pathogenic.

NM_012470.4(TNPO3):c.2430+1G>A

Gene: TNPO3 (transportin 3; minus strand). Cytogenetic location: 7q32.1.
Variant type: single nucleotide variant.
Coding change: c.2430+1G>A on transcript NM_012470.4 (MANE Select); the canonical splice donor site of the intron after coding-DNA position 2430, G replaced by A.
Molecular consequence: splice donor variant.
Genome position (GRCh38, 1-based): chr7:128,972,425, C>T on the plus strand (G>A on the coding strand, the complement: TNPO3 is on the minus strand). VCF-style: chr7-128972425-C-T. GRCh37 (hg19) VCF-style: chr7-128612479-C-T.
Other names: c.2286+1G>A (NM_001382221.1); c.2283+1G>A (NM_001382222.1); c.2322+1G>A (NM_001382219.1); c.2238+1G>A (NM_001382223.1, NM_001191028.3); c.2289+1G>A (NM_001382220.1); c.2430+1G>A (NM_001382218.1); c.2532+1G>A (NM_001382216.1); c.2511+1G>A (NM_001382217.1).
Identifiers: ClinVar variation 2585348 (VCV002585348.1), dbSNP rs1479952680, ClinGen allele CA369252233.